The following is an entry in ClinVar:

NM_025150.5(TARS2):c.1534G>A (p.Glu512Lys)

Gene: TARS2 (threonyl-tRNA synthetase 2, mitochondrial; plus strand). Cytogenetic location: 1q21.2.
Variant type: single nucleotide variant.
Coding change: c.1534G>A on transcript NM_025150.5 (MANE Select); coding-DNA position 1534, G replaced by A.
Protein change: p.Glu512Lys; replaces glutamic acid 512 with lysine.
Molecular consequence: missense variant. On other transcripts: non-coding transcript variant (2).
Genome position (GRCh38, 1-based): chr1:150,499,029, G>A. VCF-style: chr1-150499029-G-A. GRCh37 (hg19) VCF-style: chr1-150471505-G-A.
Other names: p.Glu512Lys; c.1288G>A, p.Glu430Lys (NM_001271895.2); c.1144G>A, p.Glu382Lys (NM_001271896.2); short protein forms E382K, E430K, E512K.
Identifiers: ClinVar variation 1992416 (VCV001992416.46), dbSNP rs776799586, ClinGen allele CA1077034.

ClinVar aggregate classification (germline): Uncertain significance. Review status: criteria provided, multiple submitters, no conflicts (2 of 4 stars). 3 submissions from 3 submitters: Uncertain significance (2). 1 of the submissions does not count toward it. Last evaluated 2024-05-01.

Conditions:
Combined oxidative phosphorylation defect type 21. Also called: Combined oxidative phosphorylation deficiency 21. Identifiers: Orphanet 420733, MedGen C4706316, MONDO:0014398, OMIM 615918.

Allele frequency attached by ClinVar (database versions not stated): gnomAD 0.00006; TOPMed 0.00008; ExAC 0.00011.
gnomAD v4.1: 92 of 1,614,042 alleles (0.0057%); highest among the groups gnomAD compares: Middle Eastern, 0.016%; no homozygotes.

Submissions (3):

CeGaT Center for Human Genetics Tuebingen
Classification: Uncertain significance. Last evaluated: 2024-05-01. Review status: criteria provided, single submitter. Criteria: CeGaT Center For Human Genetics Tuebingen Variant Classification Criteria Version 2. Collection method: clinical testing. Allele origin: germline. Affected: yes. Observed: 1 variant allele.
Comment: TARS2: PM2, PM3:Supporting

Labcorp Genetics (formerly Invitae), Labcorp
Classification: Uncertain significance. Last evaluated: 2023-09-13. Review status: criteria provided, single submitter. Criteria: Invitae Variant Classification Sherloc (09022015). Collection method: clinical testing. Allele origin: germline.
Comment: This sequence change replaces glutamic acid, which is acidic and polar, with lysine, which is basic and polar, at codon 512 of the TARS2 protein (p.Glu512Lys). This variant is present in population databases (rs776799586, gnomAD 0.02%). This variant has not been reported in the literature in individuals affected with TARS2-related conditions. ClinVar contains an entry for this variant (Variation ID: 1992416). Advanced modeling of protein sequence and biophysical properties (such as structural, functional, and spatial information, amino acid conservation, physicochemical variation, residue mobility, and thermodynamic stability) performed at Invitae indicates that this missense variant is expected to disrupt TARS2 protein function. In summary, the available evidence is currently insufficient to determine the role of this variant in disease. Therefore, it has been classified as a Variant of Uncertain Significance.

Houlden Lab, UCL Institute of Neurology
Classification: Uncertain significance for Combined oxidative phosphorylation defect type 21. Review status: no assertion criteria provided. Collection method: research. Allele origin: germline. Affected: yes. Not counted in ClinVar's aggregate classification.
Comment: This variant was identified in a compound heterozygous state with another TARS2 variant (c.773C>T) for this condition.